The following is an entry in ClinVar:

ClinVar aggregate classification (germline): Conflicting classifications of pathogenicity. Review status: criteria provided, conflicting classifications (1 of 4 stars). 4 submissions from 4 submitters: Uncertain significance (3); Likely benign (1). Last evaluated 2026-04-14.

Conditions:
Hereditary cancer-predisposing syndrome. Also called: Tumor predisposition; Neoplastic Syndromes, Hereditary; Hereditary Cancer Syndrome; Hereditary neoplastic syndrome. Identifiers: Orphanet 140162, MedGen C0027672, MeSH D009386, MONDO:0015356.
Hereditary breast ovarian cancer syndrome. Also called: Hereditary breast and ovarian cancer; Hereditary breast and/or ovarian cancer syndrome; Hereditary breast and ovarian cancer syndrome (HBOC); Hereditary breast and ovarian cancer syndrome; Breast and ovarian cancer; BRCA1- and BRCA2-Associated Hereditary Breast and Ovarian Cancer. Identifiers: Orphanet 145, MedGen C0677776, MeSH D061325, MONDO:0003582. Disease mechanism: loss of function.

Submissions (4):

Women's Health and Genetics/Laboratory Corporation of America, LabCorp
Classification: Uncertain significance. Last evaluated: 2026-04-14. Review status: criteria provided, single submitter. Criteria: LabCorp Variant Classification Summary - May 2015. Collection method: clinical testing. Allele origin: germline.

University of Washington Department of Laboratory Medicine, University of Washington
Classification: Likely benign for Hereditary cancer-predisposing syndrome. Last evaluated: 2023-03-23. Review status: criteria provided, single submitter. Criteria: Dines et al. (Genet Med. 2020). Collection method: curation. Allele origin: germline.
Comment: Missense variant in a coldspot region where missense variants are very unlikely to be pathogenic (PMID:31911673).

BRCA2 exon 11 coldspot. Reclassification based on statistical prior probability.

Labcorp Genetics (formerly Invitae), Labcorp
Classification: Uncertain significance for Hereditary breast ovarian cancer syndrome. Last evaluated: 2019-10-07. Review status: criteria provided, single submitter. Criteria: Invitae Variant Classification Sherloc (09022015). Collection method: clinical testing. Allele origin: germline.
Comment: This sequence change replaces serine with cysteine at codon 1597 of the BRCA2 protein (p.Ser1597Cys). The serine residue is weakly conserved and there is a moderate physicochemical difference between serine and cysteine. In summary, the available evidence is currently insufficient to determine the role of this variant in disease. Therefore, it has been classified as a Variant of Uncertain Significance. Algorithms developed to predict the effect of missense changes on protein structure and function (SIFT, PolyPhen-2, Align-GVGD) all suggest that this variant is likely to be tolerated, but these predictions have not been confirmed by published functional studies and their clinical significance is uncertain. This variant has not been reported in the literature in individuals with BRCA2-related conditions. ClinVar contains an entry for this variant (Variation ID: 233036). This variant is not present in population databases (ExAC no frequency).

Ambry Genetics
Classification: Uncertain significance for Hereditary cancer-predisposing syndrome. Last evaluated: 2015-07-22. Review status: criteria provided, single submitter. Criteria: Ambry Variant Classification Scheme 2023. Collection method: clinical testing. Allele origin: germline.
Comment: The p.S1597C variant (also known as c.4790C>G and 5018C>G), located in coding exon 10 of the BRCA2 gene, results from a C to G substitution at nucleotide position 4790. The serine at codon 1597 is replaced by cysteine, an amino acid with dissimilar properties. This variant was not reported in population based cohorts in the following databases: Database of Single Nucleotide Polymorphisms (dbSNP), NHLBI Exome Sequencing Project (ESP), and 1000 Genomes Project. In the ESP, this variant was not observed in 6503 samples (13006 alleles) with coverage at this position. To date, this alteration has been detected with an allele frequency of approximately 0.001% (greater than 150000 alleles tested) in our clinical cohort. This amino acid position is not well conserved in available vertebrate species. In addition, this alteration is predicted to be tolerated by in silico analysis. Since supporting evidence is limited at this time, the clinical significance of p.S1597C remains unclear.

NM_000059.4(BRCA2):c.4790C>G (p.Ser1597Cys)

Gene: BRCA2 (BRCA2 DNA repair associated; plus strand). Cytogenetic location: 13q13.1.
Variant type: single nucleotide variant.
Coding change: c.4790C>G on transcript NM_000059.4 (MANE Select); coding-DNA position 4790, C replaced by G.
Protein change: p.Ser1597Cys; replaces serine 1597 with cysteine.
Molecular consequence: missense variant.
Genome position (GRCh38, 1-based): chr13:32,339,145, C>G. VCF-style: chr13-32339145-C-G. GRCh37 (hg19) VCF-style: chr13-32913282-C-G.
Other names: short protein forms S1597C.
Identifiers: ClinVar variation 233036 (VCV000233036.17), dbSNP rs876660146, ClinGen allele CA10579632.